The following is an entry in ClinVar:

NM_000384.3(APOB):c.5416C>G (p.Leu1806Val)

Gene: APOB (apolipoprotein B; minus strand). Cytogenetic location: 2p24.1.
Variant type: single nucleotide variant.
Coding change: c.5416C>G on transcript NM_000384.3 (MANE Select); coding-DNA position 5416, C replaced by G.
Protein change: p.Leu1806Val; replaces leucine 1806 with valine.
Molecular consequence: missense variant.
Genome position (GRCh38, 1-based): chr2:21,011,452, G>C on the plus strand (C>G on the coding strand, the complement: APOB is on the minus strand). VCF-style: chr2-21011452-G-C. GRCh37 (hg19) VCF-style: chr2-21234324-G-C.
Other names: short protein forms L1806V.
Identifiers: ClinVar variation 5027356 (VCV005027356.1).
Genomic context (GRCh38, chr2:21,011,452, plus strand): 5'-TACCAGCCACATGCAGCTTCAGGGGTTCTAGCCGTAGTTTCCCATTGTTGGTGAGATCCA[G>C]AGCATTGTATTTCAGGTCACTGTTTAAAGTAGTTACCAGAGAATAGGGCTGTAGCTGTAA-3'
Protein context (NP_000375.3, residues 1796-1816): TLNSDLKYNA[Leu1806Val]DLTNNGKLRL

ClinVar aggregate classification (germline): Uncertain significance (1 of 4 stars; one submission).

Conditions:
Cardiovascular phenotype. Identifiers: MedGen CN230736.

Submission:

Ambry Genetics
Classification: Uncertain significance for Cardiovascular phenotype. Last evaluated: 2026-07-02. Review status: criteria provided, single submitter. Criteria: Ambry Variant Classification Scheme 2023. Collection method: clinical testing. Allele origin: germline.
Comment: The p.L1806V variant (also known as c.5416C>G), located in coding exon 26 of the APOB gene, results from a C to G substitution at nucleotide position 5416. The leucine at codon 1806 is replaced by valine, an amino acid with highly similar properties. This amino acid position is conserved. In addition, this alteration is predicted to be tolerated by in silico analysis. Based on the available evidence, the clinical significance of this variant remains unclear.